The following is an entry in ClinVar:

NM_025099.6(CTC1):c.1207C>G (p.Leu403Val)

Gene: CTC1 (CST telomere replication complex component 1; minus strand). Cytogenetic location: 17p13.1.
Variant type: single nucleotide variant.
Coding change: c.1207C>G on transcript NM_025099.6 (MANE Select); coding-DNA position 1207, C replaced by G.
Protein change: p.Leu403Val; replaces leucine 403 with valine.
Molecular consequence: missense variant. On other transcripts: non-coding transcript variant (1).
Genome position (GRCh38, 1-based): chr17:8,235,285, G>C on the plus strand (C>G on the coding strand, the complement: CTC1 is on the minus strand). VCF-style: chr17-8235285-G-C. GRCh37 (hg19) VCF-style: chr17-8138603-G-C.
Other names: c.1207C>G, p.Leu403Val (NM_001411067.1); short protein forms L403V.
Identifiers: ClinVar variation 2011719 (VCV002011719.4), dbSNP rs1331784954, ClinGen allele CA397985084.

ClinVar aggregate classification (germline): Uncertain significance (1 of 4 stars; one submission).

Conditions:
Dyskeratosis congenita. Identifiers: Orphanet 1775, MedGen C0265965, MONDO:0015780.

Submission:

Labcorp Genetics (formerly Invitae), Labcorp
Classification: Uncertain significance for Dyskeratosis congenita. Last evaluated: 2022-10-18. Review status: criteria provided, single submitter. Criteria: Invitae Variant Classification Sherloc (09022015). Collection method: clinical testing. Allele origin: germline.
Comment: In summary, the available evidence is currently insufficient to determine the role of this variant in disease. Therefore, it has been classified as a Variant of Uncertain Significance. Algorithms developed to predict the effect of missense changes on protein structure and function are either unavailable or do not agree on the potential impact of this missense change (SIFT: "Deleterious"; PolyPhen-2: "Possibly Damaging"; Align-GVGD: "Class C0"). This variant has not been reported in the literature in individuals affected with CTC1-related conditions. This variant is not present in population databases (gnomAD no frequency). This sequence change replaces leucine, which is neutral and non-polar, with valine, which is neutral and non-polar, at codon 403 of the CTC1 protein (p.Leu403Val).